The following is an entry in ClinVar:

ClinVar aggregate classification (germline): Uncertain significance (1 of 4 stars; one submission).

Conditions:
Inborn genetic diseases. Identifiers: MedGen C0950123, MeSH D030342.

Submission:

Ambry Genetics
Classification: Uncertain significance for Inborn genetic diseases. Last evaluated: 2024-12-06. Review status: criteria provided, single submitter. Criteria: Ambry Variant Classification Scheme 2023. Collection method: clinical testing. Allele origin: germline.
Comment: The p.G1308E variant (also known as c.3923G>A), located in coding exon 13 of the ASXL1 gene, results from a G to A substitution at nucleotide position 3923. The glycine at codon 1308 is replaced by glutamic acid, an amino acid with similar properties. This amino acid position is conserved. In addition, this alteration is predicted to be tolerated by in silico analysis. Based on the available evidence, the clinical significance of this variant remains unclear.

NM_015338.6(ASXL1):c.3923G>A (p.Gly1308Glu)

Gene: ASXL1 (ASXL transcriptional regulator 1; plus strand). Cytogenetic location: 20q11.21.
Variant type: single nucleotide variant.
Coding change: c.3923G>A on transcript NM_015338.6 (MANE Select); coding-DNA position 3923, G replaced by A.
Protein change: p.Gly1308Glu; replaces glycine 1308 with glutamic acid.
Molecular consequence: missense variant.
Genome position (GRCh38, 1-based): chr20:32,436,635, G>A. VCF-style: chr20-32436635-G-A. GRCh37 (hg19) VCF-style: chr20-31024438-G-A.
Other names: c.3740G>A, p.Gly1247Glu (NM_001363734.1); short protein forms G1308E, G1247E.
Identifiers: ClinVar variation 3439472 (VCV003439472.1).